The following is an entry in ClinVar:

ClinVar aggregate classification (germline): Pathogenic. Review status: criteria provided, single submitter (1 of 4 stars). 2 submissions from 2 submitters: Pathogenic (1). 1 of the submissions does not count toward it. Last evaluated 2024-03-25.

Conditions:
17-alpha-hydroxylase/17,20-lyase deficiency, combined partial. Identifiers: MedGen C4017190, MONDO:0800380.

Submissions (2):

Labcorp Genetics (formerly Invitae), Labcorp
Classification: Pathogenic. Last evaluated: 2024-03-25. Review status: criteria provided, single submitter. Criteria: Invitae Variant Classification Sherloc (09022015). Collection method: clinical testing. Allele origin: germline.
Comment: This sequence change creates a premature translational stop signal (p.Gly69Alafs*26) in the CYP17A1 gene. It is expected to result in an absent or disrupted protein product. Loss-of-function variants in CYP17A1 are known to be pathogenic (PMID: 10720067, 14747197, 17192295, 20197673, 24140098). This variant is not present in population databases (gnomAD no frequency). This variant has not been reported in the literature in individuals affected with CYP17A1-related conditions. ClinVar contains an entry for this variant (Variation ID: 1795). For these reasons, this variant has been classified as Pathogenic.

OMIM
Classification: Pathogenic for 17-ALPHA-HYDROXYLASE/17,20-LYASE DEFICIENCY, COMBINED PARTIAL. Last evaluated: 2002-12-01. Review status: no assertion criteria provided. Collection method: literature only. Allele origin: germline. Not counted in ClinVar's aggregate classification.

Literature cited by the submitters: PubMed 10720067 (cited by Labcorp Genetics (formerly Invitae), Labcorp); PubMed 14747197 (cited by Labcorp Genetics (formerly Invitae), Labcorp); PubMed 17192295 (cited by Labcorp Genetics (formerly Invitae), Labcorp); PubMed 20197673 (cited by Labcorp Genetics (formerly Invitae), Labcorp); PubMed 24140098 (cited by Labcorp Genetics (formerly Invitae), Labcorp); PubMed 12466376 (cited by OMIM).

NM_000102.4(CYP17A1):c.206_230del (p.Gly69fs)

Gene: CYP17A1 (cytochrome P450 family 17 subfamily A member 1; minus strand). Cytogenetic location: 10q24.32.
Variant type: Deletion.
Coding change: c.206_230del on transcript NM_000102.4 (MANE Select); coding-DNA positions 206 to 230, 25 bases deleted (GCACCAAGACTACAGTGATTGTCGG).
Protein change: p.Gly69fs; shifts the reading frame from glycine 69.
Molecular consequence: frameshift variant.
Genome position (GRCh38, 1-based): chr10:102,837,132-102,837,156, CCGACAATCACTGTAGTCTTGGTGC deleted on the plus strand (GCACCAAGACTACAGTGATTGTCGG on the coding strand, the reverse complement: CYP17A1 is on the minus strand); deleting any 25 consecutive bases within chr10:102,837,132-102,837,158 gives the same sequence; the c. name uses the placement nearest the transcript's 3' end. VCF-style (leftmost placement, unchanged base first): chr10-102837131-GCCGACAATCACTGTAGTCTTGGTGC-G. GRCh37 (hg19) VCF-style: chr10-104596888-GCCGACAATCACTGTAGTCTTGGTGC-G.
Other names: short protein forms G69fs.
Identifiers: ClinVar variation 1795 (VCV000001795.4), dbSNP rs786205062, ClinGen allele CA212782.
Genomic context (GRCh38, chr10:102,837,131, plus strand): 5'-AGGCCGCCCAGAGAAGTCCTTGCCCTTCTTAATAAGCACCTCCTTGGCCAGCTGGTGGTG[GCCGACAATCACTGTAGTCTTGGTGC>G]CCATACGAACCGAATAGATGGGGCCATATTTTTTCTGCAGCTTGAAGAAGTTGTTATGCA-3'